The following is an entry in ClinVar:

ClinVar aggregate classification (germline): Likely benign (1 of 4 stars; one submission).

Allele frequency attached by ClinVar (database versions not stated): TOPMed below 0.00001; gnomAD 0.00001; gnomAD exomes 0.00003; ESP Exome Variant Server 0.00008.
gnomAD v4.1: 46 of 1,605,350 alleles (0.0029%); highest among the groups gnomAD compares: Non-Finnish European, 0.0039%; no homozygotes.

Submission:

Labcorp Genetics (formerly Invitae), Labcorp
Classification: Likely benign. Last evaluated: 2022-07-18. Review status: criteria provided, single submitter. Criteria: Invitae Variant Classification Sherloc (09022015). Collection method: clinical testing. Allele origin: germline.

NM_001304438.2(TMEM132E):c.2901C>T (p.Gly967=)

Gene: TMEM132E (transmembrane protein 132E; plus strand). Cytogenetic location: 17q12.
Variant type: single nucleotide variant.
Coding change: c.2901C>T on transcript NM_001304438.2 (MANE Select); coding-DNA position 2901, C replaced by T.
Protein change: p.Gly967=; no amino-acid change (glycine 967 retained).
Molecular consequence: synonymous variant.
Genome position (GRCh38, 1-based): chr17:34,637,908, C>T. VCF-style: chr17-34637908-C-T. GRCh37 (hg19) VCF-style: chr17-32964927-C-T.
Other names: c.2901C>T (NM_001304438.1).
Identifiers: ClinVar variation 1946332 (VCV001946332.6), dbSNP rs367706516, ClinGen allele CA289923615.